The following is an entry in ClinVar:

ClinVar aggregate classification (germline): Uncertain significance (1 of 4 stars; one submission).

Conditions:
Postaxial polydactyly-anterior pituitary anomalies-facial dysmorphism syndrome. Also called: Culler-Jones syndrome. Identifiers: Orphanet 420584, MedGen C4014479, MONDO:0014369, OMIM 615849.
Holoprosencephaly 9 (HPE9). Also called: PITUITARY ANOMALIES WITH HOLOPROSENCEPHALY-LIKE FEATURES; HOLOPROSENCEPHALY WITH MICROPHTHALMIA AND FIRST BRANCHIAL ARCH ANOMALIES. Identifiers: Orphanet 2162, MedGen C1835819, MONDO:0012563, OMIM 610829.

gnomAD v4.1: 2 of 1,517,100 alleles (0.00013%); highest among the groups gnomAD compares: Admixed American, 0.002%; no homozygotes.

Submission:

Labcorp Genetics (formerly Invitae), Labcorp
Classification: Uncertain significance for Postaxial polydactyly-anterior pituitary anomalies-facial dysmorphism syndrome; Holoprosencephaly 9. Last evaluated: 2025-10-21. Review status: criteria provided, single submitter. Criteria: Invitae Variant Classification Sherloc (09022015). Collection method: clinical testing. Allele origin: germline.
Comment: This sequence change replaces proline, which is neutral and non-polar, with serine, which is neutral and polar, at codon 1000 of the GLI2 protein (p.Pro1000Ser). This variant is not present in population databases (gnomAD no frequency). This variant has not been reported in the literature in individuals affected with GLI2-related conditions. Invitae Evidence Modeling of protein sequence and biophysical properties (such as structural, functional, and spatial information, amino acid conservation, physicochemical variation, residue mobility, and thermodynamic stability) indicates that this missense variant is not expected to disrupt GLI2 protein function with a negative predictive value of 80%. In summary, the available evidence is currently insufficient to determine the role of this variant in disease. Therefore, it has been classified as a Variant of Uncertain Significance.

NM_001374353.1(GLI2):c.2947C>T (p.Pro983Ser)

Gene: GLI2 (GLI family zinc finger 2; plus strand). Cytogenetic location: 2q14.2.
Variant type: single nucleotide variant.
Coding change: c.2947C>T on transcript NM_001374353.1 (MANE Select); coding-DNA position 2947, C replaced by T.
Protein change: p.Pro983Ser; replaces proline 983 with serine.
Molecular consequence: missense variant.
Genome position (GRCh38, 1-based): chr2:120,988,912, C>T. VCF-style: chr2-120988912-C-T. GRCh37 (hg19) VCF-style: chr2-121746488-C-T.
Other names: c.2998C>T, p.Pro1000Ser (NM_001371271.1, NM_005270.5); c.2572C>T, p.Pro858Ser (NM_001374354.1); short protein forms P858S, P983S, P1000S.
Identifiers: ClinVar variation 4788933 (VCV004788933.1).
Genomic context (GRCh38, chr2:120,988,912, plus strand): 5'-TCCCTGCCGCGGGTGCAGCGCTTCCACAGCACCCACAACGTGAACCCCGGCCCGCTGCCG[C>T]CCTGTGCCGACAGGCGAGGCCTCCGCCTGCAGAGCCACCCGAGCACCGACGGCGGCCTGG-3'
Protein context (NP_001361282.1, residues 973-993): THNVNPGPLP[Pro983Ser]CADRRGLRLQ